The following is an entry in ClinVar:

NM_002582.4(PARN):c.872T>G (p.Leu291Trp)

Gene: PARN (poly(A)-specific ribonuclease; minus strand). Cytogenetic location: 16p13.12.
Variant type: single nucleotide variant.
Coding change: c.872T>G on transcript NM_002582.4 (MANE Select); coding-DNA position 872, T replaced by G.
Protein change: p.Leu291Trp; replaces leucine 291 with tryptophan.
Molecular consequence: missense variant.
Genome position (GRCh38, 1-based): chr16:14,593,347, A>C on the plus strand (T>G on the coding strand, the complement: PARN is on the minus strand). VCF-style: chr16-14593347-A-C. GRCh37 (hg19) VCF-style: chr16-14687204-A-C.
Other names: c.689T>G, p.Leu230Trp (NM_001134477.3); c.734T>G, p.Leu245Trp (NM_001242992.2); c.872T>G (NM_002582.3); short protein forms L230W, L245W, L291W.
Identifiers: ClinVar variation 3749043 (VCV003749043.3).

ClinVar aggregate classification (germline): Uncertain significance. Review status: criteria provided, multiple submitters, no conflicts (2 of 4 stars). 2 submissions from 2 submitters: Uncertain significance (2). Last evaluated 2026-02-15.

Conditions:
Pulmonary fibrosis and/or bone marrow failure, Telomere-related, 4. Also called: PULMONARY FIBROSIS AND/OR BONE MARROW FAILURE SYNDROME, TELOMERE-RELATED, 4. Identifiers: Orphanet 2032, MedGen C4225347, MONDO:0014612, OMIM 616371.
Dyskeratosis congenita, autosomal recessive 6 (DKCB6). Identifiers: MedGen C4225356, MONDO:0014600, OMIM 616353.

Submissions (2):

GeneDx
Classification: Uncertain significance. Last evaluated: 2026-02-15. Review status: criteria provided, single submitter. Criteria: GeneDx Variant Classification Process June 2021. Collection method: clinical testing. Allele origin: germline.
Comment: Not observed at significant frequency in large population cohorts (gnomAD); In silico analysis supports that this missense variant has a deleterious effect on protein structure/function; Has not been previously published as pathogenic or benign to our knowledge

Labcorp Genetics (formerly Invitae), Labcorp
Classification: Uncertain significance for Dyskeratosis congenita, autosomal recessive 6; Pulmonary fibrosis and/or bone marrow failure, Telomere-related, 4. Last evaluated: 2024-05-27. Review status: criteria provided, single submitter. Criteria: Invitae Variant Classification Sherloc (09022015). Collection method: clinical testing. Allele origin: germline.
Comment: This sequence change replaces leucine, which is neutral and non-polar, with tryptophan, which is neutral and slightly polar, at codon 291 of the PARN protein (p.Leu291Trp). This variant is not present in population databases (gnomAD no frequency). This variant has not been reported in the literature in individuals affected with PARN-related conditions. Advanced modeling of protein sequence and biophysical properties (such as structural, functional, and spatial information, amino acid conservation, physicochemical variation, residue mobility, and thermodynamic stability) performed at Invitae indicates that this missense variant is expected to disrupt PARN protein function with a positive predictive value of 80%. In summary, the available evidence is currently insufficient to determine the role of this variant in disease. Therefore, it has been classified as a Variant of Uncertain Significance.